The following is an entry in ClinVar:

ClinVar aggregate classification (germline): Pathogenic (1 of 4 stars; one submission).

Conditions:
Granulomatous disease, chronic, X-linked. Also called: CYTOCHROME b-NEGATIVE GRANULOMATOUS DISEASE, CHRONIC, X-LINKED; GRANULOMATOUS DISEASE, CHRONIC, X-LINKED, SOMATIC MOSAIC. Identifiers: Orphanet 379, MedGen C1844376, MONDO:0010600, OMIM 306400.

Submission:

Labcorp Genetics (formerly Invitae), Labcorp
Classification: Pathogenic for Granulomatous disease, chronic, X-linked. Last evaluated: 2024-11-05. Review status: criteria provided, single submitter. Criteria: Invitae Variant Classification Sherloc (09022015). Collection method: clinical testing. Allele origin: germline.
Comment: This sequence change affects a donor splice site in intron 10 of the CYBB gene. It is expected to disrupt RNA splicing. Variants that disrupt the donor or acceptor splice site typically lead to a loss of protein function (PMID: 16199547), and loss-of-function variants in CYBB are known to be pathogenic (PMID: 9585602, 20729109). This variant is not present in population databases (gnomAD no frequency). Disruption of this splice site has been observed in individuals with chronic granulomatous disease (PMID: 9585602, 11162142, 20729109). This variant is also known as 5' intron 10 GT>AT. ClinVar contains an entry for this variant (Variation ID: 1072432). Algorithms developed to predict the effect of sequence changes on RNA splicing suggest that this variant may disrupt the consensus splice site. For these reasons, this variant has been classified as Pathogenic.

Literature cited by the submitters: PubMed 16199547; PubMed 9585602; PubMed 20729109; PubMed 11162142.

NM_000397.4(CYBB):c.1314+1G>A

Gene: CYBB (cytochrome b-245 beta chain; plus strand). Cytogenetic location: Xp11.4.
Variant type: single nucleotide variant.
Coding change: c.1314+1G>A on transcript NM_000397.4 (MANE Select); the canonical splice donor site of the intron after coding-DNA position 1314, G replaced by A.
Molecular consequence: splice donor variant.
Genome position (GRCh38, 1-based): chrX:37,805,169, G>A. VCF-style: chrX-37805169-G-A. GRCh37 (hg19) VCF-style: chrX-37664422-G-A.
Identifiers: ClinVar variation 1072432 (VCV001072432.9), dbSNP rs2146818103, ClinGen allele CA412977962.